The following is an entry in ClinVar:

ClinVar aggregate classification (germline): Uncertain significance (1 of 4 stars; one submission).

Submission:

GeneDx
Classification: Uncertain significance. Last evaluated: 2025-04-03. Review status: criteria provided, single submitter. Criteria: GeneDx Variant Classification Process June 2021. Collection method: clinical testing. Allele origin: germline.
Comment: Not observed at significant frequency in large population cohorts (gnomAD); In silico analysis supports that this missense variant has a deleterious effect on protein structure/function; Has not been previously published as pathogenic or benign to our knowledge

NM_014991.6(WDFY3):c.4044C>G (p.Ser1348Arg)

Gene: WDFY3 (WD repeat and FYVE domain containing 3; minus strand). Cytogenetic location: 4q21.23.
Variant type: single nucleotide variant.
Coding change: c.4044C>G on transcript NM_014991.6 (MANE Select); coding-DNA position 4044, C replaced by G.
Protein change: p.Ser1348Arg; replaces serine 1348 with arginine.
Molecular consequence: missense variant.
Genome position (GRCh38, 1-based): chr4:84,785,997, G>C on the plus strand (C>G on the coding strand, the complement: WDFY3 is on the minus strand). VCF-style: chr4-84785997-G-C. GRCh37 (hg19) VCF-style: chr4-85707150-G-C.
Other names: short protein forms S1348R.
Identifiers: ClinVar variation 3369890 (VCV003369890.2).